The following is an entry in ClinVar:

ClinVar aggregate classification (germline): Uncertain significance (0 of 4 stars; one submission).

Conditions:
ABCB4-related disorder. Also called: ABCB4-related disorders; ABCB4-related condition.

gnomAD v4.1: 1 of 1,614,066 alleles (0.000062%); highest among the groups gnomAD compares: African/African-American, 0.0013%; no homozygotes.

Submission:

PreventionGenetics, part of Exact Sciences
Classification: Uncertain significance for ABCB4-related condition. Last evaluated: 2024-05-21. Review status: no assertion criteria provided. Collection method: clinical testing. Allele origin: germline.
Comment: The ABCB4 c.3521A>C variant is predicted to result in the amino acid substitution p.Gln1174Pro. To our knowledge, this variant has not been reported in the literature. This variant is reported in 0.0062% of alleles in individuals of African descent in gnomAD. At this time, the clinical significance of this variant is uncertain due to the absence of conclusive functional and genetic evidence.

NM_000443.4(ABCB4):c.3521A>C (p.Gln1174Pro)

Gene: ABCB4 (ATP binding cassette subfamily B member 4; minus strand). Cytogenetic location: 7q21.12.
Variant type: single nucleotide variant.
Coding change: c.3521A>C on transcript NM_000443.4 (MANE Select); coding-DNA position 3521, A replaced by C.
Protein change: p.Gln1174Pro; replaces glutamine 1174 with proline.
Molecular consequence: missense variant.
Genome position (GRCh38, 1-based): chr7:87,403,247, T>G on the plus strand (A>C on the coding strand, the complement: ABCB4 is on the minus strand). VCF-style: chr7-87403247-T-G. GRCh37 (hg19) VCF-style: chr7-87032563-T-G.
Other names: c.3542A>C, p.Gln1181Pro (NM_018849.3); c.3380A>C, p.Gln1127Pro (NM_018850.3); short protein forms Q1127P, Q1174P, Q1181P.
Identifiers: ClinVar variation 3346859 (VCV003346859.1).
Genomic context (GRCh38, chr7:87,403,247, plus strand): 5'-TGAGGTTGTCTGATGAGGGCTCGGGCAATAGCAATCCTCTGTTTTTGACCTCCTGAGAGC[T>G]GAGTCCCCTTATCTCCCACTCTTGTTTCATATTTCTGCAAGTTAACCAAATTATAAATAT-3'
Protein context (NP_000434.1, residues 1164-1184): YETRVGDKGT[Gln1174Pro]LSGGQKQRIA